The following is an entry in ClinVar:

ClinVar aggregate classification (germline): Uncertain significance (1 of 4 stars; one submission).

Conditions:
Immunodeficiency 19 (IMD19). Also called: CD3-DELTA DEFICIENCY; SEVERE COMBINED IMMUNODEFICIENCY, T CELL-NEGATIVE, B CELL-POSITIVE, NK CELL-POSITIVE; SCID, T CELL-NEGATIVE, B CELL-POSITIVE, NK CELL-POSITIVE; IMMUNODEFICIENCY 19, SEVERE COMBINED. Identifiers: MedGen C3810147, MONDO:0014280, OMIM 615617.

gnomAD v4.1: 1 of 1,613,982 alleles (0.000062%); highest among the groups gnomAD compares: African/African-American, 0.0013%; no homozygotes.

Submission:

Labcorp Genetics (formerly Invitae), Labcorp
Classification: Uncertain significance for Immunodeficiency 19. Last evaluated: 2022-06-13. Review status: criteria provided, single submitter. Criteria: Invitae Variant Classification Sherloc (09022015). Collection method: clinical testing. Allele origin: germline.
Comment: This sequence change replaces arginine, which is basic and polar, with glycine, which is neutral and non-polar, at codon 68 of the CD3D protein (p.Arg68Gly). This variant is not present in population databases (gnomAD no frequency). In summary, the available evidence is currently insufficient to determine the role of this variant in disease. Therefore, it has been classified as a Variant of Uncertain Significance. Algorithms developed to predict the effect of sequence changes on RNA splicing suggest that this variant may create or strengthen a splice site. Algorithms developed to predict the effect of missense changes on protein structure and function are either unavailable or do not agree on the potential impact of this missense change (SIFT: "Deleterious"; PolyPhen-2: "Probably Damaging"; Align-GVGD: "Class C0"). This variant has not been reported in the literature in individuals affected with CD3D-related conditions.

NM_000732.6(CD3D):c.202C>G (p.Arg68Gly)

Gene: CD3D (CD3 delta subunit of T-cell receptor complex; minus strand). Cytogenetic location: 11q23.3.
Variant type: single nucleotide variant.
Coding change: c.202C>G on transcript NM_000732.6 (MANE Select); coding-DNA position 202, C replaced by G.
Protein change: p.Arg68Gly; replaces arginine 68 with glycine.
Molecular consequence: missense variant.
Genome position (GRCh38, 1-based): chr11:118,340,447, G>C on the plus strand (C>G on the coding strand, the complement: CD3D is on the minus strand). VCF-style: chr11-118340447-G-C. GRCh37 (hg19) VCF-style: chr11-118211162-G-C.
Other names: c.202C>G, p.Arg68Gly (NM_001040651.2); short protein forms R68G.
Identifiers: ClinVar variation 1520953 (VCV001520953.6), dbSNP rs111033580, ClinGen allele CA382789181.
Genomic context (GRCh38, chr11:118,340,447, plus strand): 5'-CTTGCACGGTAGATTCTTTGTCCTTGTATATATCTGTCCCATTACACCTATATATTCCTC[G>C]TGGGTCCAGGATGCGTTTTCCCAGGTCCAGTCTTGTAATGTCTGAGAGCAGTGTTCCCAC-3'
Protein context (NP_000723.1, residues 58-78): LDLGKRILDP[Arg68Gly]GIYRCNGTDI